The following is an entry in ClinVar:

ClinVar aggregate classification (germline): Uncertain significance. Review status: criteria provided, multiple submitters, no conflicts (2 of 4 stars). 2 submissions from 2 submitters: Uncertain significance (2). Last evaluated 2022-02-20.

Conditions:
Hereditary cancer-predisposing syndrome. Also called: Hereditary neoplastic syndrome; Neoplastic Syndromes, Hereditary; Hereditary Cancer Syndrome; Tumor predisposition. Identifiers: Orphanet 140162, MedGen C0027672, MeSH D009386, MONDO:0015356.
Familial cancer of breast. Also called: BREAST CANCER, FAMILIAL; Hereditary breast cancer; hereditary breast carcinoma. Identifiers: Orphanet 227535, MedGen C0346153, MONDO:0016419, OMIM 114480. Disease mechanism: loss of function.

Submissions (2):

Labcorp Genetics (formerly Invitae), Labcorp
Classification: Uncertain significance for Familial cancer of breast. Last evaluated: 2022-02-20. Review status: criteria provided, single submitter. Criteria: Invitae Variant Classification Sherloc (09022015). Collection method: clinical testing. Allele origin: germline.
Comment: This variant is not present in population databases (gnomAD no frequency). In summary, the available evidence is currently insufficient to determine the role of this variant in disease. Therefore, it has been classified as a Variant of Uncertain Significance. Algorithms developed to predict the effect of missense changes on protein structure and function (SIFT, PolyPhen-2, Align-GVGD) all suggest that this variant is likely to be disruptive. ClinVar contains an entry for this variant (Variation ID: 530049). This variant has not been reported in the literature in individuals affected with CHEK2-related conditions. This sequence change replaces aspartic acid, which is acidic and polar, with tyrosine, which is neutral and polar, at codon 162 of the CHEK2 protein (p.Asp162Tyr).

Ambry Genetics
Classification: Uncertain significance for Hereditary cancer-predisposing syndrome. Last evaluated: 2020-09-16. Review status: criteria provided, single submitter. Criteria: Ambry Variant Classification Scheme 2023. Collection method: clinical testing. Allele origin: germline.
Comment: The p.D162Y variant (also known as c.484G>T), located in coding exon 3 of the CHEK2 gene, results from a G to T substitution at nucleotide position 484. The aspartic acid at codon 162 is replaced by tyrosine, an amino acid with highly dissimilar properties. This amino acid position is highly conserved in available vertebrate species. In addition, this alteration is predicted to be deleterious by in silico analysis. Since supporting evidence is limited at this time, the clinical significance of this alteration remains unclear.

NM_007194.4(CHEK2):c.484G>T (p.Asp162Tyr)

Gene: CHEK2 (checkpoint kinase 2; minus strand). Cytogenetic location: 22q12.1.
Variant type: single nucleotide variant.
Coding change: c.484G>T on transcript NM_007194.4 (MANE Select); coding-DNA position 484, G replaced by T.
Protein change: p.Asp162Tyr; replaces aspartic acid 162 with tyrosine.
Molecular consequence: missense variant. On other transcripts: intron variant (1), 5 prime UTR variant (2).
Genome position (GRCh38, 1-based): chr22:28,725,085, C>A on the plus strand (G>T on the coding strand, the complement: CHEK2 is on the minus strand). VCF-style: chr22-28725085-C-A. GRCh37 (hg19) VCF-style: chr22-29121073-C-A.
Other names: c.613G>T, p.Asp205Tyr (NM_001438294.1, NM_001005735.3); c.577G>T, p.Asp193Tyr (NM_001438295.1, NM_001438293.1); c.484G>T, p.Asp162Tyr (NM_145862.3); c.444+158G>T (NM_001349956.3); c.-294G>T (NM_001257387.3); c.-180G>T (NM_001437942.1); short protein forms D162Y, D205Y, D193Y.
Identifiers: ClinVar variation 530049 (VCV000530049.14), dbSNP rs1555926943, ClinGen allele CA411107575.